The following is an entry in ClinVar:

ClinVar aggregate classification (germline): Uncertain significance (1 of 4 stars; one submission).

Conditions:
Inborn genetic diseases. Identifiers: MedGen C0950123, MeSH D030342.

Submission:

Ambry Genetics
Classification: Uncertain significance for Inborn genetic diseases. Last evaluated: 2026-03-14. Review status: criteria provided, single submitter. Criteria: Ambry Variant Classification Scheme 2023. Collection method: clinical testing. Allele origin: germline.
Comment: The p.P720A variant (also known as c.2158C>G), located in coding exon 12 of the FANCM gene, results from a C to G substitution at nucleotide position 2158. The proline at codon 720 is replaced by alanine, an amino acid with highly similar properties. This amino acid position is conserved. In addition, this alteration is predicted to be tolerated by in silico analysis. Based on the available evidence, the clinical significance of this variant remains unclear.

NM_020937.4(FANCM):c.2158C>G (p.Pro720Ala)

Gene: FANCM (FA complementation group M; plus strand). Cytogenetic location: 14q21.2.
Variant type: single nucleotide variant.
Coding change: c.2158C>G on transcript NM_020937.4 (MANE Select); coding-DNA position 2158, C replaced by G.
Protein change: p.Pro720Ala; replaces proline 720 with alanine.
Molecular consequence: missense variant.
Genome position (GRCh38, 1-based): chr14:45,170,744, C>G. VCF-style: chr14-45170744-C-G. GRCh37 (hg19) VCF-style: chr14-45639947-C-G.
Other names: c.2080C>G, p.Pro694Ala (NM_001308133.2); short protein forms P694A, P720A.
Identifiers: ClinVar variation 4826035 (VCV004826035.1).